The following is an entry in ClinVar:

NM_001379500.1(COL18A1):c.394del (p.His132fs)

Gene: COL18A1 (collagen type XVIII alpha 1 chain; plus strand). Cytogenetic location: 21q22.3.
Variant type: Deletion.
Coding change: c.394del on transcript NM_001379500.1 (MANE Select); coding-DNA position 394, one base deleted (C; older notation c.394delC).
Protein change: p.His132fs; shifts the reading frame from histidine 132.
Molecular consequence: frameshift variant.
Genome position (GRCh38, 1-based): chr21:45,468,529, C deleted. VCF-style (leftmost placement, unchanged base first): chr21-45468528-GC-G. GRCh37 (hg19) VCF-style: chr21-46888442-GC-G.
Other names: c.934del, p.His312fs (NM_030582.4); c.1639del, p.His547fs (NM_130444.3); short protein forms H132fs, H547fs, H312fs.
Identifiers: ClinVar variation 1362146 (VCV001362146.6), dbSNP rs1568893029, ClinGen allele CA638496814.

ClinVar aggregate classification (germline): Pathogenic (1 of 4 stars; one submission).

Allele frequency attached by ClinVar (database versions not stated): gnomAD exomes below 0.00001 and 0.00001; gnomAD 0.00001.

Submission:

Labcorp Genetics (formerly Invitae), Labcorp
Classification: Pathogenic. Last evaluated: 2025-03-05. Review status: criteria provided, single submitter. Criteria: Invitae Variant Classification Sherloc (09022015). Collection method: clinical testing. Allele origin: germline.
Comment: This sequence change creates a premature translational stop signal (p.His132Thrfs*34) in the COL18A1 gene. It is expected to result in an absent or disrupted protein product. Loss-of-function variants in COL18A1 are known to be pathogenic (PMID: 12415512, 25456301). This variant is present in population databases (no rsID available, gnomAD 0.006%). This variant has not been reported in the literature in individuals affected with COL18A1-related conditions. ClinVar contains an entry for this variant (Variation ID: 1362146). For these reasons, this variant has been classified as Pathogenic.

Literature cited by the submitters: PubMed 12415512; PubMed 25456301.